The following is an entry in ClinVar:

ClinVar aggregate classification (germline): Uncertain significance (1 of 4 stars; one submission).

Conditions:
Immunodeficiency, common variable, 7. Identifiers: Orphanet 1572, Orphanet 696894, MedGen C3542922, MONDO:0013862, OMIM 614699.

Allele frequency attached by ClinVar (database versions not stated): gnomAD exomes below 0.00001; TOPMed below 0.00001; gnomAD 0.00001.
gnomAD v4.1: 2 of 1,613,554 alleles (0.00012%); highest among the groups gnomAD compares: African/African-American, 0.0027%; no homozygotes.

Submission:

Labcorp Genetics (formerly Invitae), Labcorp
Classification: Uncertain significance for Immunodeficiency, common variable, 7. Last evaluated: 2021-03-07. Review status: criteria provided, single submitter. Criteria: Invitae Variant Classification Sherloc (09022015). Collection method: clinical testing. Allele origin: germline.
Comment: Algorithms developed to predict the effect of missense changes on protein structure and function output the following: SIFT: "Tolerated"; PolyPhen-2: "Benign"; Align-GVGD: "Class C0". The asparagine amino acid residue is found in multiple mammalian species, suggesting that this missense change does not adversely affect protein function. These predictions have not been confirmed by published functional studies and their clinical significance is uncertain. In summary, the available evidence is currently insufficient to determine the role of this variant in disease. Therefore, it has been classified as a Variant of Uncertain Significance. This variant has not been reported in the literature in individuals with CR2-related conditions. This sequence change replaces serine with asparagine at codon 960 of the CR2 protein (p.Ser960Asn). The serine residue is moderately conserved and there is a small physicochemical difference between serine and asparagine. This variant is not present in population databases (ExAC no frequency).

NM_001006658.3(CR2):c.2879G>A (p.Ser960Asn)

Gene: CR2 (complement C3d receptor 2; plus strand). Cytogenetic location: 1q32.2.
Variant type: single nucleotide variant.
Coding change: c.2879G>A on transcript NM_001006658.3 (MANE Select); coding-DNA position 2879, G replaced by A.
Protein change: p.Ser960Asn; replaces serine 960 with asparagine.
Molecular consequence: missense variant.
Genome position (GRCh38, 1-based): chr1:207,476,396, G>A. VCF-style: chr1-207476396-G-A. GRCh37 (hg19) VCF-style: chr1-207649741-G-A.
Other names: c.2702G>A, p.Ser901Asn (NM_001877.5); short protein forms S901N, S960N.
Identifiers: ClinVar variation 1514787 (VCV001514787.7), dbSNP rs1470426603, ClinGen allele CA344540308.